The following is an entry in ClinVar:

ClinVar aggregate classification (germline): Uncertain significance. Review status: criteria provided, single submitter (1 of 4 stars). 2 submissions from 2 submitters: Uncertain significance (1). 1 of the submissions does not count toward it. Last evaluated 2024-04-04.

Conditions:
Fetal akinesia deformation sequence 2. Identifiers: MedGen C4760576, MONDO:0100102, OMIM 618388.

Allele frequency attached by ClinVar (database versions not stated): TOPMed below 0.00001.

Submissions (2):

Women's Health and Genetics/Laboratory Corporation of America, LabCorp
Classification: Uncertain significance. Last evaluated: 2024-04-04. Review status: criteria provided, single submitter. Criteria: LabCorp Variant Classification Summary - May 2015. Collection method: clinical testing. Allele origin: germline.
Comment: Variant summary: RAPSN c.566C>T (p.Ala189Val) results in a non-conservative amino acid change in the encoded protein sequence. Five of five in-silico tools predict a damaging effect of the variant on protein function. The variant allele was found at a frequency of 8e-06 in 251458 control chromosomes (gnomAD). c.566C>T has been reported in the literature in the compound heterozygous state in two siblings born at term affected with Fetal Akinesia Deformation Sequence (FADS), from a family where the variant segregated with disease and there was a history of preterm abortion (Michalk_2008). These data indicate that the variant may be associated with disease. To our knowledge, no experimental evidence demonstrating an impact on protein function has been reported. The following publication has been ascertained in the context of this evaluation (PMID: 18252226). ClinVar contains an entry for this variant (Variation ID: 8059). Based on the evidence outlined above, the variant was classified as VUS-possibly pathogenic.

OMIM
Classification: Pathogenic for FETAL AKINESIA DEFORMATION SEQUENCE 2. Last evaluated: 2008-02-01. Review status: no assertion criteria provided. Collection method: literature only. Allele origin: germline. Not counted in ClinVar's aggregate classification.

Literature cited by the submitters: PubMed 18252226 (cited by Women's Health and Genetics/Laboratory Corporation of America, LabCorp and OMIM).

NM_005055.5(RAPSN):c.566C>T (p.Ala189Val)

Gene: RAPSN (receptor associated protein of the synapse; minus strand). Cytogenetic location: 11p11.2.
Variant type: single nucleotide variant.
Coding change: c.566C>T on transcript NM_005055.5 (MANE Select); coding-DNA position 566, C replaced by T.
Protein change: p.Ala189Val; replaces alanine 189 with valine.
Molecular consequence: missense variant.
Genome position (GRCh38, 1-based): chr11:47,442,780, G>A on the plus strand (C>T on the coding strand, the complement: RAPSN is on the minus strand). VCF-style: chr11-47442780-G-A. GRCh37 (hg19) VCF-style: chr11-47464332-G-A.
Other names: c.566C>T, p.Ala189Val (NM_032645.5); short protein forms A189V.
Identifiers: ClinVar variation 8059 (VCV000008059.3), dbSNP rs121909257, ClinGen allele CA119260.
Genomic context (GRCh38, chr11:47,442,780, plus strand): 5'-TGGCTCATGGCCCGGTACTTCAGGCTCCAGCCTTTGCCATAGTTGTTGACAAGCTCTGCC[G>A]CCTTGCAGGGGAAGAACAGGGCTTTCTCGTAGTCCTGCAGGGGACATGGAATGGAAGGAG-3'
Protein context (NP_005046.2, residues 179-199): YEKALFFPCK[Ala189Val]AELVNNYGKG